The following is an entry in ClinVar:

NM_177438.3(DICER1):c.5761A>G (p.Asn1921Asp)

Gene: DICER1 (dicer 1, ribonuclease III; minus strand). Cytogenetic location: 14q32.13.
Variant type: single nucleotide variant.
Coding change: c.5761A>G on transcript NM_177438.3 (MANE Select); coding-DNA position 5761, A replaced by G.
Protein change: p.Asn1921Asp; replaces asparagine 1921 with aspartic acid.
Molecular consequence: missense variant. On other transcripts: 3 prime UTR variant (1).
Genome position (GRCh38, 1-based): chr14:95,090,506, T>C on the plus strand (A>G on the coding strand, the complement: DICER1 is on the minus strand). VCF-style: chr14-95090506-T-C. GRCh37 (hg19) VCF-style: chr14-95556843-T-C.
Other names: c.*108A>G (NM_001195573.1); c.5761A>G, p.Asn1921Asp (NM_001271282.3, NM_001291628.2, NM_030621.4); short protein forms N1921D.
Identifiers: ClinVar variation 570042 (VCV000570042.12), dbSNP rs775077210, ClinGen allele CA390862856.

ClinVar aggregate classification (germline): Uncertain significance. Review status: criteria provided, multiple submitters, no conflicts (2 of 4 stars). 3 submissions from 3 submitters: Uncertain significance (2). 1 of the submissions does not count toward it. Last evaluated 2025-09-28.

Conditions:
DICER1-related disorder. Also called: DICER1-related condition.
DICER1-related tumor predisposition. Also called: DICER1 syndrome; DICER1-related pleuropulmonary blastoma cancer predisposition syndrome. Identifiers: Orphanet 284343, MedGen C3839822, MONDO:0100216.
Hereditary cancer-predisposing syndrome. Also called: Hereditary neoplastic syndrome; Neoplastic Syndromes, Hereditary; Hereditary Cancer Syndrome; Tumor predisposition. Identifiers: Orphanet 140162, MedGen C0027672, MeSH D009386, MONDO:0015356.

Allele frequency attached by ClinVar (database versions not stated): gnomAD exomes below 0.00001.
gnomAD v4.1: 1 of 1,613,954 alleles (0.000062%); highest among the groups gnomAD compares: East Asian, 0.0022%; no homozygotes.

Submissions (3):

Ambry Genetics
Classification: Uncertain significance for Hereditary cancer-predisposing syndrome. Last evaluated: 2025-09-28. Review status: criteria provided, single submitter. Criteria: Ambry Variant Classification Scheme 2023. Collection method: clinical testing. Allele origin: germline.
Comment: The p.N1921D variant (also known as c.5761A>G), located in coding exon 26 of the DICER1 gene, results from an A to G substitution at nucleotide position 5761. The asparagine at codon 1921 is replaced by aspartic acid, an amino acid with highly similar properties. This amino acid position is conserved. In addition, this alteration is predicted to be tolerated by in silico analysis. Based on the available evidence, the clinical significance of this variant remains unclear.

Labcorp Genetics (formerly Invitae), Labcorp
Classification: Uncertain significance for DICER1-related tumor predisposition. Last evaluated: 2018-02-15. Review status: criteria provided, single submitter. Criteria: Invitae Variant Classification Sherloc (09022015). Collection method: clinical testing. Allele origin: germline.
Comment: In summary, the available evidence is currently insufficient to determine the role of this variant in disease. Therefore, it has been classified as a Variant of Uncertain Significance. Algorithms developed to predict the effect of missense changes on protein structure and function (SIFT, PolyPhen-2, Align-GVGD) all suggest that this variant is likely to be tolerated, but these predictions have not been confirmed by published functional studies and their clinical significance is uncertain. This variant has not been reported in the literature in individuals with DICER1-related disease. This variant is not present in population databases (ExAC no frequency). This sequence change replaces asparagine with aspartic acid at codon 1921 of the DICER1 protein (p.Asn1921Asp). The asparagine residue is moderately conserved and there is a small physicochemical difference between asparagine and aspartic acid.

PreventionGenetics, part of Exact Sciences
Classification: Uncertain significance for DICER1-related condition. Last evaluated: 2024-07-18. Review status: no assertion criteria provided. Collection method: clinical testing. Allele origin: germline. Not counted in ClinVar's aggregate classification.
Comment: The DICER1 c.5761A>G variant is predicted to result in the amino acid substitution p.Asn1921Asp. To our knowledge, this variant has not been reported in the literature or in a large population database, indicating this variant is rare. This variant has an interpretation of uncertain significance in ClinVar. At this time, the clinical significance of this variant is uncertain due to the absence of conclusive functional and genetic evidence.